The following is an entry in ClinVar:

ClinVar aggregate classification (germline): Conflicting classifications of pathogenicity. Review status: criteria provided, conflicting classifications (1 of 4 stars). 20 submissions from 16 submitters: Uncertain significance (11); Benign (1); Likely benign (4). 4 of the submissions do not count toward it. Last evaluated 2026-01-28.

Conditions:
Hirschsprung disease, susceptibility to, 1 (HSCR1). Also called: RET-Related Hirschsprung Disease. Identifiers: Orphanet 388, MedGen C3888239, MONDO:0007723, OMIM 142623.
Multiple endocrine neoplasia type 2A. Also called: MULTIPLE ENDOCRINE NEOPLASIA, TYPE IIA; PTC SYNDROME; SIPPLE SYNDROME; MEN 2A; MEN-2A syndrome; Pheochromocytoma and amyloid producing medullary thyroid carcinoma. Identifiers: Orphanet 247698, Orphanet 653, MedGen C0025268, MeSH D018813, MONDO:0008234, OMIM 171400.
Multiple endocrine neoplasia type 2B. Also called: WAGENMANN-FROBOESE SYNDROME; MULTIPLE ENDOCRINE NEOPLASIA, TYPE III; Multiple endocrine neoplasia, type 3; MULTIPLE ENDOCRINE NEOPLASIA, TYPE IIB; MEN 2B; MEN IIB. Identifiers: Orphanet 247709, Orphanet 653, MedGen C0025269, MeSH D018814, MONDO:0008082, OMIM 162300.
Pheochromocytoma. Also called: MAX-Related Hereditary Paraganglioma-Pheochromocytoma Syndrome. Identifiers: Orphanet 29072, MedGen C0031511, MONDO:0008233, OMIM 171300, HP:0002666.
Familial medullary thyroid carcinoma (MTC). Also called: Thyroid cancer, familial medullary; MTC, familial; Familial Medullary Thyroid Carcinoma (FMTC). Identifiers: Orphanet 653, Orphanet 99361, MedGen C1833921, MONDO:0007958, OMIM 155240.
Multiple endocrine neoplasia. Identifiers: Orphanet 276161, MedGen C0027662, MONDO:0017169.
RET-related disorder. Also called: RET-related condition; RET-related disease; RET-related disorders.
Hereditary cancer-predisposing syndrome. Also called: Neoplastic Syndromes, Hereditary; Hereditary Cancer Syndrome; Tumor predisposition; Hereditary neoplastic syndrome. Identifiers: Orphanet 140162, MedGen C0027672, MeSH D009386, MONDO:0015356.
Multiple endocrine neoplasia, type 2 (MEN2). Identifiers: Orphanet 653, MedGen C4048306, MONDO:0019003. Disease mechanism: gain of function.
Aganglionic megacolon (HSCR). Also called: Hirschsprung's disease; Hirschsprung disease. Identifiers: Orphanet 388, MedGen C0019569, MeSH D006627, MONDO:0018309, HP:0002251.
Renal hypodysplasia/aplasia 1 (RHDA1). Also called: RENAL APLASIA; HEREDITARY RENAL APLASIA. Identifiers: Orphanet 411709, MedGen C1619700, MONDO:0024519, OMIM 191830.

Allele frequency attached by ClinVar (database versions not stated): TOPMed 0.00009; gnomAD exomes 0.00011; ESP Exome Variant Server 0.00015; ExAC 0.00018; gnomAD 0.00008.
gnomAD v4.1: 176 of 1,612,200 alleles (0.011%); highest among the groups gnomAD compares: South Asian, 0.027%; no homozygotes.

Submissions 1 to 6 of 20:

Labcorp Genetics (formerly Invitae), Labcorp
Classification: Uncertain significance for Multiple endocrine neoplasia, type 2. Last evaluated: 2026-01-28. Review status: criteria provided, single submitter. Criteria: Invitae Variant Classification Sherloc (09022015). Collection method: clinical testing. Allele origin: germline.
Comment: This sequence change replaces arginine, which is basic and polar, with glutamine, which is neutral and polar, at codon 694 of the RET protein (p.Arg694Gln). This variant is present in population databases (rs141185224, gnomAD 0.03%), and has an allele count higher than expected for a pathogenic variant. This missense change has been observed in individual(s) with sporadic Hirschsprung disease or autoimmune thyroiditis and premature ovarian failure (PMID: 14633923, 15472167). ClinVar contains an entry for this variant (Variation ID: 161358). An algorithm developed to predict the effect of missense changes on protein structure and function (PolyPhen-2) suggests that this variant is likely to be tolerated. Experimental studies have shown that this missense change does not substantially affect RET function (PMID: 15472167). In summary, the available evidence is currently insufficient to determine the role of this variant in disease. Therefore, it has been classified as a Variant of Uncertain Significance.

Women's Health and Genetics/Laboratory Corporation of America, LabCorp
Classification: Uncertain significance. Last evaluated: 2025-09-09. Review status: criteria provided, single submitter. Criteria: LabCorp Variant Classification Summary - May 2015. Collection method: clinical testing. Allele origin: germline.
Comment: Variant summary: RET c.2081G>A (p.Arg694Gln) results in a conservative amino acid change in the encoded protein sequence. Algorithms developed to predict the effect of missense changes on protein structure and function are either unavailable or do not agree on the potential impact of this missense change. The variant allele was found at a frequency of 0.00011 in 250044 control chromosomes. This frequency is not significantly higher than estimated for disease-causing variants in RET, allowing no conclusion about variant significance. c.2081G>A has been observed in individual(s) affected with Multiple Endocrine Neoplasia Type 2/Hirschsprung Disease or autoimmune thyroiditis and premature ovarian failure (Garcia-Barcelo_2004, Orgiana_2004, Romei_2010, Widowati_2016, So_2011). These data do not allow any conclusion about variant significance. At least one publication reports experimental evidence evaluating an impact on protein function (Orgiana_2004, Widowati_2016). These results showed no damaging effect of this variant. The following publications have been ascertained in the context of this evaluation (PMID: 14633923, 15472167, 20516206, 22174939, 26395553). ClinVar contains an entry for this variant (Variation ID: 161358). Based on the evidence outlined above, the variant was classified as uncertain significance.

Quest Diagnostics Nichols Institute San Juan Capistrano
Classification: Uncertain significance. Last evaluated: 2025-03-06. Review status: criteria provided, single submitter. Criteria: Quest Diagnostics criteria. Collection method: clinical testing. Allele origin: unknown.

All of Us Research Program, National Institutes of Health
Classification: Uncertain significance for Multiple endocrine neoplasia, type 2. Last evaluated: 2024-08-13. Review status: criteria provided, single submitter. Criteria: ACMG Guidelines, 2015. Collection method: clinical testing. Allele origin: germline. Inheritance: Autosomal dominant inheritance. Observed: 28 variant alleles, 28 heterozygotes.
Comment: This missense variant replaces arginine with glutamine at codon 694 of the RET protein. Computational prediction is inconclusive regarding the impact of this variant on protein structure and function (internally defined REVEL score threshold 0.5 < inconclusive < 0.7, PMID: 27666373). Functional studies reported that this variant has normal expression and phosphorylation in cell culture (PMID: 26395553), and normal transformation ability and auto-phosphorylation (PMID: 15472167) . This variant has not been reported in individuals affected with MEN2 or medullary thyroid carcinoma. This variant has been reported in individuals affected withHirschprung syndrome cases (PMID: 14633923, 22174939, 26395553), bilateral renal hypoplasia case (PMID: 28566479) or Hashimoto thyroiditis with ovarian failure however this variant was not dected in an affected sibling (PMID: 15472167). This variant has been identified in 29/281272 chromosomes in the general population by the Genome Aggregation Database (gnomAD). The available evidence is insufficient to determine the role of this variant in disease conclusively. Therefore, this variant is classified as a Variant of Uncertain Significance.

This study involves interpretation of variants in research participants for the purpose of population health screening. Participant phenotype was not available at the time of variant classification. Additional details can be found in publication PMID: 35346344, PMCID: PMC8962531

Fulgent Genetics
Classification: Uncertain significance for Hirschsprung disease, susceptibility to, 1; Familial medullary thyroid carcinoma; Multiple endocrine neoplasia type 2B; Pheochromocytoma; Multiple endocrine neoplasia type 2A. Last evaluated: 2024-05-07. Review status: criteria provided, single submitter. Criteria: ACMG Guidelines, 2015. Collection method: clinical testing. Allele origin: germline.

Color Diagnostics, LLC DBA Color Health
Classification: Uncertain significance for Multiple endocrine neoplasia, type 2. Last evaluated: 2024-04-11. Review status: criteria provided, single submitter. Criteria: ACMG Guidelines, 2015. Collection method: clinical testing. Allele origin: germline.
Comment: This missense variant replaces arginine with glutamine at codon 694 of the RET protein. Computational prediction is inconclusive regarding the impact of this variant on protein structure and function. Functional studies reported that this variant has normal expression and phosphorylation in cell culture (PMID: 26395553), and normal transformation ability and auto-phosphorylation (PMID: 15472167). This variant has not been reported in individuals affected with MEN2 or medullary thyroid carcinoma. This variant has been identified in 29/281272 chromosomes in the general population by the Genome Aggregation Database (gnomAD). The available evidence is insufficient to determine the role of this variant in disease conclusively. Therefore, this variant is classified as a Variant of Uncertain Significance.

NM_020975.6(RET):c.2081G>A (p.Arg694Gln)

Gene: RET (ret proto-oncogene; plus strand). Cytogenetic location: 10q11.21.
Variant type: single nucleotide variant.
Coding change: c.2081G>A on transcript NM_020975.6 (MANE Select); coding-DNA position 2081, G replaced by A.
Protein change: p.Arg694Gln; replaces arginine 694 with glutamine.
Molecular consequence: missense variant.
Genome position (GRCh38, 1-based): chr10:43,114,681, G>A. VCF-style: chr10-43114681-G-A. GRCh37 (hg19) VCF-style: chr10-43610129-G-A.
Other names: c.2081G>A, p.Arg694Gln (NM_000323.2, NM_001406743.1, NM_001406744.1 and 4 more transcripts); c.1319G>A, p.Arg440Gln (NM_001355216.2); c.1952G>A, p.Arg651Gln (NM_001406761.1, NM_001406762.1, NM_001406764.1); c.1946G>A, p.Arg649Gln (NM_001406763.1, NM_001406765.1); c.1793G>A, p.Arg598Gln (NM_001406766.1, NM_001406767.1, NM_001406770.1); c.1817G>A, p.Arg606Gln (NM_001406768.1); c.1685G>A, p.Arg562Gln (NM_001406769.1, NM_001406772.1); c.1643G>A, p.Arg548Gln (NM_001406771.1, NM_001406773.1); and 10 more; short protein forms R694Q, R440Q, R211Q, R355Q, R364Q, R598Q, R606Q, R352Q.
Identifiers: ClinVar variation 161358 (VCV000161358.39), dbSNP rs141185224, ClinGen allele CA008578.
Genomic context (GRCh38, chr10:43,114,681, plus strand): 5'-TGACCTTCCGGAGGCCCGCCCAGGCCTTCCCGGTCAGCTACTCCTCTTCCGGTGCCCGCC[G>A]GCCCTCGCTGGACTCCATGGAGAACCAGGTCTCCGTGGATGCCTTCAAGATCCTGGTGAG-3'
Protein context (NP_066124.1, residues 684-704): PVSYSSSGAR[Arg694Gln]PSLDSMENQV